The following is an entry in ClinVar:

ClinVar aggregate classification (germline): Uncertain significance (1 of 4 stars; one submission).

Conditions:
TTN-related disorder. Also called: TTN-related disorders; TTN-related condition; TTN-related disease.

Submission:

PreventionGenetics, part of Exact Sciences
Classification: Uncertain significance for TTN-related condition. Last evaluated: 2025-10-23. Review status: criteria provided, single submitter. Criteria: ACMG Guidelines, 2015. Collection method: clinical testing. Allele origin: germline.
Comment: The TTN c.37479A>C variant is predicted to result in the amino acid substitution p.Glu12493Asp. To our knowledge, this variant has not been reported in the literature or in a large population database (gnomAD), indicating this variant is rare. At this time, the clinical significance of this variant is uncertain due to the absence of conclusive functional and genetic evidence.

NM_001267550.2(TTN):c.37479A>C (p.Glu12493Asp)

Gene: TTN (titin; minus strand). Cytogenetic location: 2q31.2.
Variant type: single nucleotide variant.
Coding change: c.37479A>C on transcript NM_001267550.2 (MANE Select); coding-DNA position 37479, A replaced by C.
Protein change: p.Glu12493Asp; replaces glutamic acid 12493 with aspartic acid.
Molecular consequence: missense variant. On other transcripts: intron variant (5).
Genome position (GRCh38, 1-based): chr2:178,658,769, T>G on the plus strand (A>C on the coding strand, the complement: TTN is on the minus strand). VCF-style: chr2-178658769-T-G. GRCh37 (hg19) VCF-style: chr2-179523496-T-G.
Other names: c.13283-16452A>C (NM_003319.4); c.13859-16452A>C (NM_133437.4); c.13658-16452A>C (NM_133432.3); c.31741+236A>C (NM_133378.4); c.34522+236A>C (NM_001256850.1); short protein forms E12493D.
Identifiers: ClinVar variation 4980975 (VCV004980975.1).